The following is an entry in ClinVar:

NM_000443.4(ABCB4):c.3676T>G (p.Cys1226Gly)

Gene: ABCB4 (ATP binding cassette subfamily B member 4; minus strand). Cytogenetic location: 7q21.12.
Variant type: single nucleotide variant.
Coding change: c.3676T>G on transcript NM_000443.4 (MANE Select); coding-DNA position 3676, T replaced by G.
Protein change: p.Cys1226Gly; replaces cysteine 1226 with glycine.
Molecular consequence: missense variant.
Genome position (GRCh38, 1-based): chr7:87,402,260, A>C on the plus strand (T>G on the coding strand, the complement: ABCB4 is on the minus strand). VCF-style: chr7-87402260-A-C. GRCh37 (hg19) VCF-style: chr7-87031576-A-C.
Other names: p.Cys1226Gly; c.3697T>G, p.Cys1233Gly (NM_018849.3); c.3535T>G, p.Cys1179Gly (NM_018850.3); c.3676T>G (NM_000443.3); short protein forms C1226G, C1233G, C1179G.
Identifiers: ClinVar variation 500001 (VCV000500001.13), dbSNP rs769306313, ClinGen allele CA4326711.

ClinVar aggregate classification (germline): Uncertain significance. Review status: criteria provided, multiple submitters, no conflicts (2 of 4 stars). 6 submissions from 6 submitters: Uncertain significance (6). Last evaluated 2026-04-14.

Conditions:
Inborn genetic diseases. Identifiers: MedGen C0950123, MeSH D030342.
Familial intrahepatic cholestasis. Identifiers: Orphanet 284385, MedGen CN296401, MONDO:0017290.
Low phospholipid associated cholelithiasis (GBD1). Also called: Gallbladder disease 1; Gallstone cholecystitis. Identifiers: Orphanet 69663, MedGen C2609268, MONDO:0010939, OMIM 600803.
ABCB4-related disorder. Also called: ABCB4-related disorders; ABCB4-related condition.

Allele frequency attached by ClinVar (database versions not stated): ExAC 0.00002; gnomAD 0.00002; gnomAD exomes 0.00003 and 0.00006; TOPMed 0.00005.
gnomAD v4.1: 87 of 1,613,980 alleles (0.0054%); highest among the groups gnomAD compares: Non-Finnish European, 0.0069%; no homozygotes.

Submissions (6):

Genomenon, Inc
Classification: Uncertain significance for Familial intrahepatic cholestasis; Low phospholipid associated cholelithiasis. Last evaluated: 2026-04-14. Review status: criteria provided, single submitter. Criteria: Genomenon Sequence Variant Interpretation Standards - Updated. Collection method: curation. Allele origin: germline. Affected: no.
Comment: ABCB4 p.Cys1226Gly (c.3676T>G) is a missense variant that changes the amino acid at residue 1226 from Cysteine to Glycine. This variant has been reported in the published literature (PMID:35626323). It is absent or not present at a significant frequency in gnomAD. In silico models predict that this variant is possibly or probably damaging. In conclusion, we classify ABCB4 p.Cys1226Gly (c.3676T>G) as a variant of uncertain significance.

PreventionGenetics, part of Exact Sciences
Classification: Uncertain significance for ABCB4-related condition. Last evaluated: 2025-11-20. Review status: criteria provided, single submitter. Criteria: ACMG Guidelines, 2015. Collection method: clinical testing. Allele origin: germline.
Comment: The ABCB4 c.3676T>G variant is predicted to result in the amino acid substitution p.Cys1226Gly. This variant has been reported in an individual with transient neonatal cholestasis; however, additional support for pathogenicity was not provided (Almes et al. 2022. PubMed ID: 35626323). This variant is reported in 0.0062% of alleles in individuals of European (non-Finnish) descent in gnomAD. At this time, the clinical significance of this variant is uncertain due to the absence of conclusive functional and genetic evidence.

Mayo Clinic Laboratories, Mayo Clinic
Classification: Uncertain significance. Last evaluated: 2025-08-19. Review status: criteria provided, single submitter. Criteria: ACMG Guidelines, 2015. Collection method: clinical testing. Allele origin: germline. Observed: 1 variant allele.
Comment: PP3_moderate, PM2_supporting

Revvity Omics, Revvity
Classification: Uncertain significance. Last evaluated: 2022-02-03. Review status: criteria provided, single submitter. Criteria: ACMG Guidelines, 2015. Collection method: clinical testing. Allele origin: germline.

Ambry Genetics
Classification: Uncertain significance for Inborn genetic diseases. Last evaluated: 2021-06-18. Review status: criteria provided, single submitter. Criteria: Ambry Variant Classification Scheme 2023. Collection method: clinical testing. Allele origin: germline.

Eurofins Ntd Llc (ga)
Classification: Uncertain significance. Last evaluated: 2017-01-17. Review status: criteria provided, single submitter. Criteria: EGL Classification Definitions 2015. Collection method: clinical testing. Allele origin: germline. Observed: 1 variant allele, 1 heterozygote.

Literature cited by the submitters: PubMed 35626323 (cited by Genomenon, Inc and Mayo Clinic Laboratories, Mayo Clinic).